The following is an entry in ClinVar:

ClinVar aggregate classification (germline): Pathogenic (1 of 4 stars; one submission).

Submission:

GeneDx
Classification: Pathogenic. Last evaluated: 2024-03-11. Review status: criteria provided, single submitter. Criteria: GeneDx Variant Classification Process June 2021. Collection method: clinical testing. Allele origin: germline. Affected: yes.
Comment: Has not been previously published as pathogenic or benign to our knowledge; Frameshift variant predicted to result in protein truncation, as the last 2086 amino acids are replaced with 1 different amino acid, and other loss-of-function variants have been reported downstream in the Human Gene Mutation Database (HGMD); Not observed at a significant frequency in large population cohorts (gnomAD)

NM_002016.2(FLG):c.5926_5930delinsTATTA (p.Gln1976_Ser1977delinsTyrTer)

Genes: CCDST (cervical cancer associated DHX9 suppressive transcript; plus strand), FLG (filaggrin; minus strand). Cytogenetic location: 1q21.3.
Variant type: Indel.
Coding change: c.5926_5930delinsTATTA on transcript NM_002016.2 (MANE Select); coding-DNA positions 5926 to 5930, CAATC replaced by TATTA.
Protein change: p.Gln1976_Ser1977delinsTyrTer.
Molecular consequence: nonsense.
Genome position (GRCh38, 1-based): chr1:152,308,956-152,308,960, GATTG replaced by TAATA on the plus strand (CAATC replaced by TATTA on the coding strand, the reverse complement: FLG is on the minus strand). VCF-style: chr1-152308956-GATTG-TAATA. GRCh37 (hg19) VCF-style: chr1-152281432-GATTG-TAATA.
Other names: c.5926_5930delCAATCinsTATTA, p.Gln1976_Ser1977delinsTyrTer (NM_002016.1).
Identifiers: ClinVar variation 3340801 (VCV003340801.1).